The following is an entry in ClinVar:

NM_001036.6(RYR3):c.13948G>A (p.Ala4650Thr)

Genes: AVEN (apoptosis and caspase activation inhibitor; minus strand), RYR3 (ryanodine receptor 3; plus strand), RYR3-DT (RYR3 divergent transcript; minus strand). Cytogenetic location: 15q14.
Variant type: single nucleotide variant.
Coding change: c.13948G>A on transcript NM_001036.6 (MANE Select); coding-DNA position 13948, G replaced by A.
Protein change: p.Ala4650Thr; replaces alanine 4650 with threonine.
Molecular consequence: missense variant.
Genome position (GRCh38, 1-based): chr15:33,854,853, G>A. VCF-style: chr15-33854853-G-A. GRCh37 (hg19) VCF-style: chr15-34147054-G-A.
Other names: c.13933G>A, p.Ala4645Thr (NM_001243996.4); short protein forms A4650T, A4645T.
Identifiers: ClinVar variation 569729 (VCV000569729.12), dbSNP rs368466725, ClinGen allele CA7461840.

ClinVar aggregate classification (germline): Uncertain significance. Review status: criteria provided, multiple submitters, no conflicts (2 of 4 stars). 2 submissions from 2 submitters: Uncertain significance (2). Last evaluated 2022-12-02.

Conditions:
Epileptic encephalopathy. Identifiers: MedGen C0543888, HP:0200134.
Arthrogryposis multiplex congenita (AMC). Also called: Congenital multiple arthrogryposis; Fibrous ankylosis of multiple joints; Congenital arthromyodysplasia; Myodystrophia fetalis deformans; Otto syndrome; Rocher-Sheldon syndrome. Identifiers: Orphanet 1037, MedGen C5779613, MeSH D001176, MONDO:0015168, HP:0002804.

Allele frequency attached by ClinVar (database versions not stated): gnomAD 0.00006; TOPMed 0.00007; gnomAD exomes 0.00012; ExAC 0.00014; 1000 Genomes Project 30x 0.00016; ESP Exome Variant Server 0.00016.
gnomAD v4.1: 173 of 1,613,662 alleles (0.011%); highest among the groups gnomAD compares: East Asian, 0.033%; no homozygotes.

Submissions (2):

Labcorp Genetics (formerly Invitae), Labcorp
Classification: Uncertain significance for Epileptic encephalopathy. Last evaluated: 2022-12-02. Review status: criteria provided, single submitter. Criteria: Invitae Variant Classification Sherloc (09022015). Collection method: clinical testing. Allele origin: germline.
Comment: This variant is present in population databases (rs368466725, gnomAD 0.1%), and has an allele count higher than expected for a pathogenic variant. In summary, the available evidence is currently insufficient to determine the role of this variant in disease. Therefore, it has been classified as a Variant of Uncertain Significance. Advanced modeling of protein sequence and biophysical properties (such as structural, functional, and spatial information, amino acid conservation, physicochemical variation, residue mobility, and thermodynamic stability) performed at Invitae indicates that this missense variant is expected to disrupt RYR3 protein function. ClinVar contains an entry for this variant (Variation ID: 569729). This variant has not been reported in the literature in individuals affected with RYR3-related conditions. This sequence change replaces alanine, which is neutral and non-polar, with threonine, which is neutral and polar, at codon 4650 of the RYR3 protein (p.Ala4650Thr).

Diagnostics Division, CENTRE FOR DNA FINGERPRINTING AND DIAGNOSTICS
Classification: Uncertain significance for Arthrogryposis multiplex congenita. Review status: criteria provided, single submitter. Criteria: ACMG Guidelines, 2015. Collection method: research. Allele origin: germline. Inheritance: Autosomal dominant inheritance. Affected: yes. Observed: 1 heterozygote.